The following is an entry in ClinVar:

ClinVar aggregate classification (germline): Pathogenic/Likely pathogenic. Review status: criteria provided, multiple submitters, no conflicts (2 of 4 stars). 3 submissions from 3 submitters: Pathogenic (2); Likely pathogenic (1). Last evaluated 2025-09-02.

Conditions:
SLC5A1-related disorder. Also called: SLC5A1-related condition.
Congenital glucose-galactose malabsorption (GGM). Also called: DIARRHEA 16; MONOSACCHARIDE MALABSORPTION. Identifiers: Orphanet 35710, MedGen C0268186, MONDO:0011731, OMIM 606824.

Allele frequency attached by ClinVar (database versions not stated): TOPMed below 0.00001; gnomAD exomes 0.00003 and 0.00007; ExAC 0.00012.
gnomAD v4.1: 59 of 1,613,850 alleles (0.0037%); highest among the groups gnomAD compares: Non-Finnish European, 0.003%; 1 homozygote.

Submissions (3):

Labcorp Genetics (formerly Invitae), Labcorp
Classification: Pathogenic for Congenital glucose-galactose malabsorption. Last evaluated: 2025-09-02. Review status: criteria provided, single submitter. Criteria: Invitae Variant Classification Sherloc (09022015). Collection method: clinical testing. Allele origin: germline.
Comment: This sequence change replaces glutamine, which is neutral and polar, with arginine, which is basic and polar, at codon 457 of the SLC5A1 protein (p.Gln457Arg). This variant is present in population databases (rs200401846, gnomAD 0.01%). This missense change has been observed in individual(s) with clinical features of glucose-galactose malabsorption (PMID: 9815014, 34485913; internal data). In at least one individual the data is consistent with being in trans (on the opposite chromosome) from a pathogenic variant. It has also been observed to segregate with disease in related individuals. ClinVar contains an entry for this variant (Variation ID: 529229). Invitae Evidence Modeling of protein sequence and biophysical properties (such as structural, functional, and spatial information, amino acid conservation, physicochemical variation, residue mobility, and thermodynamic stability) has been performed for this missense variant. However, the output from this modeling did not meet the statistical confidence thresholds required to predict the impact of this variant on SLC5A1 protein function. Experimental studies have shown that this missense change affects SLC5A1 function (PMID: 12139397, 19167319, 34485913). For these reasons, this variant has been classified as Pathogenic.

Blueprint Genetics
Classification: Likely pathogenic for SLC5A1-related disorders. Last evaluated: 2023-10-25. Review status: criteria provided, single submitter. Criteria: ACMG Guidelines, 2015. Collection method: clinical testing. Allele origin: germline. Affected: yes. Observed: 3 variant alleles.

PreventionGenetics, part of Exact Sciences
Classification: Pathogenic for SLC5A1-related condition. Last evaluated: 2023-05-11. Review status: criteria provided, single submitter. Criteria: ACMG Guidelines, 2015. Collection method: clinical testing. Allele origin: germline.
Comment: The SLC5A1 c.1370A>G variant is predicted to result in the amino acid substitution p.Gln457Arg. This variant has been reported in the homozygous state in multiple related individuals with glucose-galactose malabsorption (GGM) and was shown to co-segregate with disease in a large pedigree (Lostao MP et al 2021. PubMed ID: 34485913). Functional studies suggest that Gln457 is a critical residue within the SLC5A1 sugar-binding site and that the p.Gln457Arg substitution causes a defect in glucose transport (Loo DDF et al. 1998. PubMed ID: 9636229, Diez-Sampedro A et al. 2001. PubMed ID: 11602601; Lostao MP et al 2021. PubMed ID: 34485913). This variant is reported in 0.014% of alleles in individuals of European (Finnish) descent in gnomAD. This variant is interpreted as pathogenic.

Literature cited by the submitters: PubMed 9815014 (cited by Labcorp Genetics (formerly Invitae), Labcorp); PubMed 34485913 (cited by Labcorp Genetics (formerly Invitae), Labcorp); PubMed 12139397 (cited by Labcorp Genetics (formerly Invitae), Labcorp); PubMed 19167319 (cited by Labcorp Genetics (formerly Invitae), Labcorp).

NM_000343.4(SLC5A1):c.1370A>G (p.Gln457Arg)

Gene: SLC5A1 (solute carrier family 5 member 1; plus strand). Cytogenetic location: 22q12.3.
Variant type: single nucleotide variant.
Coding change: c.1370A>G on transcript NM_000343.4 (MANE Select); coding-DNA position 1370, A replaced by G.
Protein change: p.Gln457Arg; replaces glutamine 457 with arginine.
Molecular consequence: missense variant.
Genome position (GRCh38, 1-based): chr22:32,099,272, A>G. VCF-style: chr22-32099272-A-G. GRCh37 (hg19) VCF-style: chr22-32495259-A-G.
Other names: c.989A>G, p.Gln330Arg (NM_001256314.2); short protein forms Q457R, Q330R.
Identifiers: ClinVar variation 529229 (VCV000529229.10), dbSNP rs200401846, ClinGen allele CA10198221.